The following is an entry in ClinVar:

ClinVar aggregate classification (germline): Uncertain significance. Review status: criteria provided, multiple submitters, no conflicts (2 of 4 stars). 2 submissions from 2 submitters: Uncertain significance (2). Last evaluated 2024-09-30.

Conditions:
Early-infantile DEE. Also called: Early infantile epileptic encephalopathy; Early infantile epileptic encephalopathy with suppression bursts; Ohtahara syndrome. Identifiers: Orphanet 1934, MedGen C0393706, MONDO:0800491.

Submissions (2):

Labcorp Genetics (formerly Invitae), Labcorp
Classification: Uncertain significance for Early-infantile DEE. Last evaluated: 2024-09-30. Review status: criteria provided, single submitter. Criteria: Invitae Variant Classification Sherloc (09022015). Collection method: clinical testing. Allele origin: germline.
Comment: This sequence change replaces tyrosine, which is neutral and polar, with cysteine, which is neutral and slightly polar, at codon 87 of the SCN8A protein (p.Tyr87Cys). This variant is not present in population databases (gnomAD no frequency). This variant has not been reported in the literature in individuals affected with SCN8A-related conditions. ClinVar contains an entry for this variant (Variation ID: 1318989). Invitae Evidence Modeling of protein sequence and biophysical properties (such as structural, functional, and spatial information, amino acid conservation, physicochemical variation, residue mobility, and thermodynamic stability) has been performed for this missense variant. However, the output from this modeling did not meet the statistical confidence thresholds required to predict the impact of this variant on SCN8A protein function. In summary, the available evidence is currently insufficient to determine the role of this variant in disease. Therefore, it has been classified as a Variant of Uncertain Significance.

GeneDx
Classification: Uncertain significance. Last evaluated: 2020-10-29. Review status: criteria provided, single submitter. Criteria: GeneDx Variant Classification Process June 2021. Collection method: clinical testing. Allele origin: germline. Affected: yes.
Comment: Not observed in large population cohorts (Lek et al., 2016); The majority of missense variants in this gene are considered pathogenic (Stenson et al., 2014); In silico analysis, which includes protein predictors and evolutionary conservation, supports a deleterious effect; Has not been previously published as pathogenic or benign to our knowledge

NM_001330260.2(SCN8A):c.260A>G (p.Tyr87Cys)

Genes: SCN8A (sodium voltage-gated channel alpha subunit 8; plus strand), LOC114803470 (SCN8A eExon liver enhancer; plus strand). Cytogenetic location: 12q13.13.
Variant type: single nucleotide variant.
Coding change: c.260A>G on transcript NM_001330260.2 (MANE Select); coding-DNA position 260, A replaced by G.
Protein change: p.Tyr87Cys; replaces tyrosine 87 with cysteine.
Molecular consequence: missense variant.
Genome position (GRCh38, 1-based): chr12:51,663,077, A>G. VCF-style: chr12-51663077-A-G. GRCh37 (hg19) VCF-style: chr12-52056861-A-G.
Other names: c.260A>G, p.Tyr87Cys (NM_001369788.1, NM_014191.4, NM_001177984.3); short protein forms Y87C.
Identifiers: ClinVar variation 1318989 (VCV001318989.4), dbSNP rs2138671507, ClinGen allele CA385228544.